The following is an entry in ClinVar:

NM_000321.3(RB1):c.1351C>A (p.Arg451Ser)

Gene: RB1 (RB transcriptional corepressor 1; plus strand). Cytogenetic location: 13q14.2.
Variant type: single nucleotide variant.
Coding change: c.1351C>A on transcript NM_000321.3 (MANE Select); coding-DNA position 1351, C replaced by A.
Protein change: p.Arg451Ser; replaces arginine 451 with serine.
Molecular consequence: missense variant.
Genome position (GRCh38, 1-based): chr13:48,379,612, C>A. VCF-style: chr13-48379612-C-A. GRCh37 (hg19) VCF-style: chr13-48953748-C-A.
Other names: c.1351C>A, p.Arg451Ser (NM_001407165.1, NM_001407166.1); short protein forms R451S.
Identifiers: ClinVar variation 1999254 (VCV001999254.4), dbSNP rs759079385, ClinGen allele CA388162567.

ClinVar aggregate classification (germline): Uncertain significance (1 of 4 stars; one submission).

Conditions:
Retinoblastoma (RB1). Also called: RETINOBLASTOMA, SOMATIC. Identifiers: Orphanet 790, MedGen C0035335, MeSH D012175, MONDO:0008380, OMIM 180200, HP:0009919. Disease mechanism: loss of function. Inheritance: Both sporadic and heritable forms are tested..

Submission:

Labcorp Genetics (formerly Invitae), Labcorp
Classification: Uncertain significance for Retinoblastoma. Last evaluated: 2022-10-04. Review status: criteria provided, single submitter. Criteria: Invitae Variant Classification Sherloc (09022015). Collection method: clinical testing. Allele origin: germline.
Comment: In summary, the available evidence is currently insufficient to determine the role of this variant in disease. Therefore, it has been classified as a Variant of Uncertain Significance. Algorithms developed to predict the effect of sequence changes on RNA splicing suggest that this variant may disrupt the consensus splice site. Advanced modeling of protein sequence and biophysical properties (such as structural, functional, and spatial information, amino acid conservation, physicochemical variation, residue mobility, and thermodynamic stability) performed at Invitae indicates that this missense variant is not expected to disrupt RB1 protein function. This variant has not been reported in the literature in individuals affected with RB1-related conditions. This variant is not present in population databases (gnomAD no frequency). This sequence change replaces arginine, which is basic and polar, with serine, which is neutral and polar, at codon 451 of the RB1 protein (p.Arg451Ser).